The following is an entry in ClinVar:

NM_001038603.3(MARVELD2):c.1490C>T (p.Ser497Leu)

Gene: MARVELD2 (MARVEL domain containing 2; plus strand). Cytogenetic location: 5q13.2.
Variant type: single nucleotide variant.
Coding change: c.1490C>T on transcript NM_001038603.3 (MANE Select); coding-DNA position 1490, C replaced by T.
Protein change: p.Ser497Leu; replaces serine 497 with leucine.
Molecular consequence: missense variant.
Genome position (GRCh38, 1-based): chr5:69,433,080, C>T. VCF-style: chr5-69433080-C-T. GRCh37 (hg19) VCF-style: chr5-68728907-C-T.
Other names: c.1490C>T (NM_001038603.2); c.1454C>T, p.Ser485Leu (NM_001244734.2); short protein forms S497L, S485L.
Identifiers: ClinVar variation 1501424 (VCV001501424.7), dbSNP rs771005521, ClinGen allele CA3294269.

ClinVar aggregate classification (germline): Uncertain significance. Review status: criteria provided, multiple submitters, no conflicts (2 of 4 stars). 2 submissions from 2 submitters: Uncertain significance (2). Last evaluated 2024-09-01.

Conditions:
Inborn genetic diseases. Identifiers: MedGen C0950123, MeSH D030342.

Allele frequency attached by ClinVar (database versions not stated): gnomAD 0.00001; TOPMed 0.00002; ExAC 0.00003; gnomAD exomes 0.00004.
gnomAD v4.1: 16 of 1,604,560 alleles (0.001%); highest among the groups gnomAD compares: Admixed American, 0.0034%; no homozygotes.

Submissions (2):

Ambry Genetics
Classification: Uncertain significance for Inborn genetic diseases. Last evaluated: 2024-09-01. Review status: criteria provided, single submitter. Criteria: Ambry Variant Classification Scheme 2023. Collection method: clinical testing. Allele origin: germline.

Labcorp Genetics (formerly Invitae), Labcorp
Classification: Uncertain significance. Last evaluated: 2021-12-02. Review status: criteria provided, single submitter. Criteria: Invitae Variant Classification Sherloc (09022015). Collection method: clinical testing. Allele origin: germline.
Comment: This sequence change replaces serine, which is neutral and polar, with leucine, which is neutral and non-polar, at codon 497 of the MARVELD2 protein (p.Ser497Leu). This variant is present in population databases (rs771005521, gnomAD 0.01%). This variant has not been reported in the literature in individuals affected with MARVELD2-related conditions. Algorithms developed to predict the effect of missense changes on protein structure and function are either unavailable or do not agree on the potential impact of this missense change (SIFT: "Tolerated"; PolyPhen-2: "Possibly Damaging"; Align-GVGD: "Class C15"). In summary, the available evidence is currently insufficient to determine the role of this variant in disease. Therefore, it has been classified as a Variant of Uncertain Significance.